The following is an entry in ClinVar:

NM_000360.4(TH):c.1300T>C (p.Ser434Pro)

Gene: TH (tyrosine hydroxylase; minus strand). Cytogenetic location: 11p15.5.
Variant type: single nucleotide variant.
Coding change: c.1300T>C on transcript NM_000360.4 (MANE Select); coding-DNA position 1300, T replaced by C.
Protein change: p.Ser434Pro; replaces serine 434 with proline.
Molecular consequence: missense variant.
Genome position (GRCh38, 1-based): chr11:2,165,266, A>G on the plus strand (T>C on the coding strand, the complement: TH is on the minus strand). VCF-style: chr11-2165266-A-G. GRCh37 (hg19) VCF-style: chr11-2186496-A-G.
Other names: c.1393T>C, p.Ser465Pro (NM_199292.3); c.1381T>C, p.Ser461Pro (NM_199293.3); short protein forms S434P, S461P, S465P.
Identifiers: ClinVar variation 1320094 (VCV001320094.9), dbSNP rs1367289835, ClinGen allele CA379124996.

ClinVar aggregate classification (germline): Conflicting classifications of pathogenicity. Review status: criteria provided, conflicting classifications (1 of 4 stars). 4 submissions from 4 submitters: Likely pathogenic (3); Uncertain significance (1). Last evaluated 2025-10-15.

Conditions:
TH-deficient dopa-responsive dystonia. Also called: Tyrosine Hydroxylase-Deficient Dopa-Responsive Dystonia; Segawa syndrome, autosomal recessive; DYT-TH. Identifiers: Orphanet 101150, MedGen C2673535, MONDO:0011551, OMIM 605407.

Allele frequency attached by ClinVar (database versions not stated): gnomAD exomes below 0.00001; gnomAD 0.00001; TOPMed 0.00002.
gnomAD v4.1: 10 of 1,612,786 alleles (0.00062%); highest among the groups gnomAD compares: Non-Finnish European, 0.00085%; no homozygotes.

Submissions (4):

Myriad Genetics, Inc.
Classification: Uncertain significance for TH-deficient dopa-responsive dystonia. Last evaluated: 2025-10-15. Review status: criteria provided, single submitter. Criteria: Myriad Autosomal Dominant, Autosomal Recessive and X-Linked Classification Criteria (2023). Collection method: clinical testing. Allele origin: unknown.
Comment: NM_199292.2(TH):c.1393T>C(S465P) is a missense variant classified as a variant of uncertain significance in the context of tyrosine hydroxylase deficiency. S465P has been observed in a case with relevant disease (PMID: 33233562). Relevant functional assessments of this variant are not available in the literature. S465P has been observed in referenced population frequency databases. In summary, there is insufficient evidence to classify NM_199292.2(TH):c.1393T>C(S465P) as pathogenic or benign. Please note: this variant was assessed in the context of healthy population screening.

Labcorp Genetics (formerly Invitae), Labcorp
Classification: Likely pathogenic for TH-deficient dopa-responsive dystonia. Last evaluated: 2025-07-07. Review status: criteria provided, single submitter. Criteria: Invitae Variant Classification Sherloc (09022015). Collection method: clinical testing. Allele origin: germline.
Comment: This sequence change replaces serine, which is neutral and polar, with proline, which is neutral and non-polar, at codon 465 of the TH protein (p.Ser465Pro). This variant is present in population databases (no rsID available, gnomAD 0.0009%). This missense change has been observed in individual(s) with dopa-responsive dystonia (PMID: 33233562). In at least one individual the data is consistent with being in trans (on the opposite chromosome) from a pathogenic variant. ClinVar contains an entry for this variant (Variation ID: 1320094). Invitae Evidence Modeling of protein sequence and biophysical properties (such as structural, functional, and spatial information, amino acid conservation, physicochemical variation, residue mobility, and thermodynamic stability) has been performed for this missense variant. However, the output from this modeling did not meet the statistical confidence thresholds required to predict the impact of this variant on TH protein function. In summary, the currently available evidence indicates that the variant is pathogenic, but additional data are needed to prove that conclusively. Therefore, this variant has been classified as Likely Pathogenic.

GeneDx
Classification: Likely pathogenic. Last evaluated: 2024-09-11. Review status: criteria provided, single submitter. Criteria: GeneDx Variant Classification Process June 2021. Collection method: clinical testing. Allele origin: germline. Affected: yes.
Comment: Not observed at significant frequency in large population cohorts (gnomAD); In silico analysis supports that this missense variant has a deleterious effect on protein structure/function; This variant is associated with the following publications: (PMID: 33233562)

3billion
Classification: Likely pathogenic for TH-deficient dopa-responsive dystonia. Last evaluated: 2021-10-02. Review status: criteria provided, single submitter. Criteria: ACMG Guidelines, 2015. Collection method: clinical testing. Allele origin: paternal. Affected: yes. Observed: 1 heterozygote.
Comment: It is observed at an extremely low frequency in the gnomAD v2.1.1 dataset (total allele frequency: 0.000004, PM2). The variant was observed in trans with a pathogenic variant (NM_199292.2:c.698G>A) as compound heterozygous (3billion dataset, PM3). In silico tool predictions suggest damaging effect of the variant on gene or gene product (REVEL: 0.846, 3Cnet: 0.957, PP3). Patient is considered compatible with Segawa syndrome, recessive (PP4_P). Therefore, this variant is classified as likely pathogenic according to the recommendation of ACMG/AMP guideline.

Literature cited by the submitters: PubMed 33233562 (cited by Myriad Genetics, Inc. and Labcorp Genetics (formerly Invitae), Labcorp).